The following is an entry in ClinVar:

NM_133510.4(RAD51B):c.841T>C (p.Ser281Pro)

Gene: RAD51B (RAD51 paralog B; plus strand). Cytogenetic location: 14q24.1.
Variant type: single nucleotide variant.
Coding change: c.841T>C on transcript NM_133510.4 (MANE Select); coding-DNA position 841, T replaced by C.
Protein change: p.Ser281Pro; replaces serine 281 with proline.
Molecular consequence: missense variant.
Genome position (GRCh38, 1-based): chr14:68,291,968, T>C. VCF-style: chr14-68291968-T-C. GRCh37 (hg19) VCF-style: chr14-68758685-T-C.
Other names: c.841T>C, p.Ser281Pro (NM_001321809.2, NM_001321810.2, NM_001321812.1 and 6 more transcripts); c.727T>C, p.Ser243Pro (NM_001321815.1); c.484T>C, p.Ser162Pro (NM_001321817.2); short protein forms S281P, S162P, S243P.
Identifiers: ClinVar variation 4575336 (VCV004575336.1).
Genomic context (GRCh38, chr14:68,291,968, plus strand): 5'-ACCCATCTGAGTGGAGCCCTGGCTTCTCAGGCAGACCTGGTGTCTCCAGCTGATGATTTG[T>C]CCCTGTCTGAAGGTAAGGAATCTGTCCTGGAGAGGCTGAAACTTGACACTGACATAGAGC-3'
Protein context (NP_598194.1, residues 271-291): ADLVSPADDL[Ser281Pro]LSEGTSGSSC

ClinVar aggregate classification (germline): Uncertain significance (1 of 4 stars; one submission).

Submission:

Ambry Genetics
Classification: Uncertain significance. Last evaluated: 2025-12-10. Review status: criteria provided, single submitter. Criteria: Ambry Variant Classification Scheme 2023. Collection method: clinical testing. Allele origin: germline.
Comment: The p.S281P variant (also known as c.841T>C), located in coding exon 7 of the RAD51B gene, results from a T to C substitution at nucleotide position 841. The serine at codon 281 is replaced by proline, an amino acid with similar properties. This amino acid position is conserved. In addition, this alteration is predicted to be tolerated by in silico analysis. Based on the available evidence, the clinical significance of this variant remains unclear.